The following is an entry in ClinVar:

ClinVar aggregate classification (germline): Uncertain significance. Review status: criteria provided, multiple submitters, no conflicts (2 of 4 stars). 2 submissions from 2 submitters: Uncertain significance (2). Last evaluated 2025-06-11.

Conditions:
Hereditary cancer-predisposing syndrome. Also called: Neoplastic Syndromes, Hereditary; Tumor predisposition; Hereditary Cancer Syndrome; Hereditary neoplastic syndrome. Identifiers: Orphanet 140162, MedGen C0027672, MeSH D009386, MONDO:0015356.

Submissions (2):

Ambry Genetics
Classification: Uncertain significance for Hereditary cancer-predisposing syndrome. Last evaluated: 2025-06-11. Review status: criteria provided, single submitter. Criteria: Ambry Variant Classification Scheme 2023. Collection method: clinical testing. Allele origin: germline.
Comment: The c.2711_2712delAC variant, located in coding exon 11 of the MET gene, results from a deletion of two nucleotides at nucleotide positions 2711 to 2712, causing a translational frameshift with a predicted alternate stop codon (p.H904Lfs*4). This alteration is expected to result in protein truncation or nonsense-mediated mRNA decay. However, loss of function of MET has not been established as a mechanism of disease. Based on the available evidence, the clinical significance of this alteration remains unclear.

GeneDx
Classification: Uncertain significance. Last evaluated: 2024-09-06. Review status: criteria provided, single submitter. Criteria: GeneDx Variant Classification Process June 2021. Collection method: clinical testing. Allele origin: germline. Affected: yes.
Comment: Not observed at significant frequency in large population cohorts (gnomAD); Frameshift variant predicted to result in protein truncation or nonsense mediated decay in a gene for which loss-of-function is not a known mechanism of disease; Has not been previously published as pathogenic or benign to our knowledge

NM_000245.4(MET):c.2657_2658del (p.His886fs)

Gene: MET (MET proto-oncogene, receptor tyrosine kinase; plus strand). Cytogenetic location: 7q31.2.
Variant type: Microsatellite.
Coding change: c.2657_2658del on transcript NM_000245.4 (MANE Select); coding-DNA positions 2657 to 2658, 2 bases deleted (AC; older notation c.2657_2658delAC).
Protein change: p.His886fs; shifts the reading frame from histidine 886.
Molecular consequence: frameshift variant.
Genome position (GRCh38, 1-based): chr7:116,769,718-116,769,719, AC deleted; deleting any 2 consecutive bases within chr7:116,769,716-116,769,719 gives the same sequence; the c. name uses the placement nearest the transcript's 3' end. VCF-style (leftmost placement, unchanged base first): chr7-116769715-TAC-T. GRCh37 (hg19) VCF-style: chr7-116409769-TAC-T.
Other names: c.2711_2712delAC (NM_001127500.1); c.2709_2710AC[1], p.His904Leufs (NM_001127500.1); c.2711_2712del, p.His904fs (NM_001127500.3); c.2657_2658del, p.His886fs (NM_001324401.3); c.1367_1368del, p.His456fs (NM_001324402.2); c.2711_2712del (NM_001127500.1); short protein forms H456fs, H886fs, H904fs.
Identifiers: ClinVar variation 3767818 (VCV003767818.2).